The following is an entry in ClinVar:

ClinVar aggregate classification (germline): Uncertain significance (1 of 4 stars; one submission).

gnomAD v4.1: 1 of 1,612,638 alleles (0.000062%); highest among the groups gnomAD compares: African/African-American, 0.0013%; no homozygotes.

Submission:

Ambry Genetics
Classification: Uncertain significance. Last evaluated: 2025-10-01. Review status: criteria provided, single submitter. Criteria: Ambry Variant Classification Scheme 2023. Collection method: clinical testing. Allele origin: germline.
Comment: The p.D383Y variant (also known as c.1147G>T), located in coding exon 8 of the CTNNA3 gene, results from a G to T substitution at nucleotide position 1147. The aspartic acid at codon 383 is replaced by tyrosine, an amino acid with highly dissimilar properties. This amino acid position is conserved. In addition, this alteration is predicted to be deleterious by in silico analysis. Based on the available evidence, the clinical significance of this variant remains unclear.

NM_013266.4(CTNNA3):c.1147G>T (p.Asp383Tyr)

Gene: CTNNA3 (catenin alpha 3; minus strand). Cytogenetic location: 10q21.3.
Variant type: single nucleotide variant.
Coding change: c.1147G>T on transcript NM_013266.4 (MANE Select); coding-DNA position 1147, G replaced by T.
Protein change: p.Asp383Tyr; replaces aspartic acid 383 with tyrosine.
Molecular consequence: missense variant.
Genome position (GRCh38, 1-based): chr10:66,766,398, C>A on the plus strand (G>T on the coding strand, the complement: CTNNA3 is on the minus strand). VCF-style: chr10-66766398-C-A. GRCh37 (hg19) VCF-style: chr10-68526156-C-A.
Other names: c.1147G>T, p.Asp383Tyr (NM_001127384.3); short protein forms D383Y.
Identifiers: ClinVar variation 4657488 (VCV004657488.1).